The following is an entry in ClinVar:

ClinVar aggregate classification (germline): Benign. Review status: criteria provided, multiple submitters, no conflicts (2 of 4 stars). 3 submissions from 3 submitters: Benign (3). Last evaluated 2025-02-03.

Allele frequency attached by ClinVar (database versions not stated): gnomAD 0.00622 and 0.00656; 1000 Genomes Project 0.00978; gnomAD exomes 0.00169; ExAC 0.00226; TOPMed 0.00682; ESP Exome Variant Server 0.00700; 1000 Genomes Project 30x 0.01046.
gnomAD v4.1: 1,873 of 1,565,278 alleles (0.12%); highest among the groups gnomAD compares: African/African-American, 2.1%; 16 homozygotes.

Submissions (3):

Mayo Clinic Laboratories, Mayo Clinic
Classification: Benign. Last evaluated: 2025-02-03. Review status: criteria provided, single submitter. Criteria: ACMG Guidelines, 2015. Collection method: clinical testing. Allele origin: germline. Observed: 1 variant allele.
Comment: BS1, BS2, BP4, BP7

Labcorp Genetics (formerly Invitae), Labcorp
Classification: Benign. Last evaluated: 2018-04-17. Review status: criteria provided, single submitter. Criteria: Invitae Variant Classification Sherloc (09022015). Collection method: clinical testing. Allele origin: germline.

Breakthrough Genomics
Classification: Benign. Review status: criteria provided, single submitter. Criteria: ACMG Guidelines, 2015. Collection method: not provided. Allele origin: germline. Inheritance: Autosomal dominant inheritance. Affected: yes.

NM_000412.5(HRG):c.306C>T (p.Ile102=)

Genes: HRG (histidine rich glycoprotein; plus strand), LOC126806897 (BRD4-independent group 4 enhancer GRCh37_chr3:186386725-186387924; plus strand). Cytogenetic location: 3q27.3.
Variant type: single nucleotide variant.
Coding change: c.306C>T on transcript NM_000412.5 (MANE Select); coding-DNA position 306, C replaced by T.
Protein change: p.Ile102=; no amino-acid change (isoleucine 102 retained).
Molecular consequence: synonymous variant.
Genome position (GRCh38, 1-based): chr3:186,669,943, C>T. VCF-style: chr3-186669943-C-T. GRCh37 (hg19) VCF-style: chr3-186387732-C-T.
Other names: p.Ile102=.
Identifiers: ClinVar variation 786027 (VCV000786027.5), dbSNP rs73886012, ClinGen allele CA2745620.
Genomic context (GRCh38, chr3:186,669,943, plus strand): 5'-TGAGGAAGGCAGGATGCAATGACTCAGCAAGTCCTCAAGAGCCTCTTTCTTACAGGTGAT[C>T]GGACAATGTAAGGTAATAGCTACAAGACATTCCCATGAATCTCAGGACCTCAGAGTGATT-3'
Protein context (NP_000403.1, residues 92-112): PDSRRPSEIV[Ile102=]GQCKVIATRH